The following is an entry in ClinVar:

ClinVar aggregate classification (germline): Likely benign. Review status: criteria provided, multiple submitters, no conflicts (2 of 4 stars). 3 submissions from 3 submitters: Likely benign (3). Last evaluated 2025-12-13.

Conditions:
Charcot-Marie-Tooth disease. Also called: Charcot-Marie-Tooth Hereditary Neuropathy; Charcot-Marie-Tooth Neuropathy. Identifiers: Orphanet 166, MedGen C0007959, MONDO:0015626.
Charcot-Marie-Tooth disease axonal type 2O. Also called: Charcot-Marie-Tooth disease, axonal, type 20; CHARCOT-MARIE-TOOTH NEUROPATHY, AXONAL, TYPE 2O; CHARCOT-MARIE-TOOTH DISEASE, AXONAL, AUTOSOMAL DOMINANT, TYPE 2O; Charcot-Marie-Tooth Neuropathy Type 2O. Identifiers: Orphanet 284232, MedGen C3280220, MONDO:0013644, OMIM 614228.

Allele frequency attached by ClinVar (database versions not stated): ExAC 0.00002; gnomAD exomes 0.00003; gnomAD 0.00004; TOPMed 0.00005; ESP Exome Variant Server 0.00015.
gnomAD v4.1: 160 of 1,614,044 alleles (0.0099%); highest among the groups gnomAD compares: Non-Finnish European, 0.013%; no homozygotes.

Submissions (3):

Labcorp Genetics (formerly Invitae), Labcorp
Classification: Likely benign for Charcot-Marie-Tooth disease axonal type 2O. Last evaluated: 2025-12-13. Review status: criteria provided, single submitter. Criteria: Invitae Variant Classification Sherloc (09022015). Collection method: clinical testing. Allele origin: germline.

GeneDx
Classification: Likely benign. Last evaluated: 2016-05-23. Review status: criteria provided, single submitter. Criteria: GeneDx Variant Classification (06012015). Collection method: clinical testing. Allele origin: germline. Affected: yes.
Comment: This variant is considered likely benign or benign based on one or more of the following criteria: it is a conservative change, it occurs at a poorly conserved position in the protein, it is predicted to be benign by multiple in silico algorithms, and/or has population frequency not consistent with disease.

Molecular Genetics Laboratory, London Health Sciences Centre
Classification: Likely benign for Charcot-Marie-Tooth disease. Review status: criteria provided, single submitter. Criteria: ACMG Guidelines, 2015. Collection method: clinical testing. Allele origin: germline. Affected: yes.

NM_001376.5(DYNC1H1):c.11596-20G>A

Gene: DYNC1H1 (dynein cytoplasmic 1 heavy chain 1; plus strand). Cytogenetic location: 14q32.31.
Variant type: single nucleotide variant.
Coding change: c.11596-20G>A on transcript NM_001376.5 (MANE Select); 20 bases into the intron before coding-DNA position 11596, G replaced by A.
Molecular consequence: intron variant.
Genome position (GRCh38, 1-based): chr14:102,039,618, G>A. VCF-style: chr14-102039618-G-A. GRCh37 (hg19) VCF-style: chr14-102505955-G-A.
Identifiers: ClinVar variation 386228 (VCV000386228.9), dbSNP rs372623721, ClinGen allele CA7353675.